The following is an entry in ClinVar:

NM_014806.5(RUSC2):c.1655A>G (p.Lys552Arg)

Gene: RUSC2 (RUN and SH3 domain containing 2; plus strand). Cytogenetic location: 9p13.3.
Variant type: single nucleotide variant.
Coding change: c.1655A>G on transcript NM_014806.5 (MANE Select); coding-DNA position 1655, A replaced by G.
Protein change: p.Lys552Arg; replaces lysine 552 with arginine.
Molecular consequence: missense variant. On other transcripts: non-coding transcript variant (1), intron variant (1).
Genome position (GRCh38, 1-based): chr9:35,548,176, A>G. VCF-style: chr9-35548176-A-G. GRCh37 (hg19) VCF-style: chr9-35548173-A-G.
Other names: c.1655A>G, p.Lys552Arg (NM_001135999.2); c.-620-6884A>G (NM_001330740.2); short protein forms K552R.
Identifiers: ClinVar variation 1941181 (VCV001941181.2), dbSNP rs748168396, ClinGen allele CA5043702.

ClinVar aggregate classification (germline): Uncertain significance (1 of 4 stars; one submission).

Allele frequency attached by ClinVar (database versions not stated): gnomAD exomes below 0.00001; ExAC 0.00003; TOPMed 0.00006; gnomAD 0.00008.
gnomAD v4.1: 14 of 1,613,250 alleles (0.00087%); highest among the groups gnomAD compares: African/African-American, 0.017%; no homozygotes.

Submission:

Labcorp Genetics (formerly Invitae), Labcorp
Classification: Uncertain significance. Last evaluated: 2022-03-18. Review status: criteria provided, single submitter. Criteria: Invitae Variant Classification Sherloc (09022015). Collection method: clinical testing. Allele origin: germline.
Comment: This sequence change replaces lysine, which is basic and polar, with arginine, which is basic and polar, at codon 552 of the RUSC2 protein (p.Lys552Arg). This variant is present in population databases (rs748168396, gnomAD 0.03%). This variant has not been reported in the literature in individuals affected with RUSC2-related conditions. Algorithms developed to predict the effect of missense changes on protein structure and function are either unavailable or do not agree on the potential impact of this missense change (SIFT: "Tolerated"; PolyPhen-2: "Probably Damaging"; Align-GVGD: "Class C0"). In summary, the available evidence is currently insufficient to determine the role of this variant in disease. Therefore, it has been classified as a Variant of Uncertain Significance.